The following is an entry in ClinVar:

NM_057175.5(NAA15):c.1484A>G (p.Tyr495Cys)

Gene: NAA15 (N-alpha-acetyltransferase 15, NatA auxiliary subunit; plus strand). Cytogenetic location: 4q31.1.
Variant type: single nucleotide variant.
Coding change: c.1484A>G on transcript NM_057175.5 (MANE Select); coding-DNA position 1484, A replaced by G.
Protein change: p.Tyr495Cys; replaces tyrosine 495 with cysteine.
Molecular consequence: missense variant.
Genome position (GRCh38, 1-based): chr4:139,360,573, A>G. VCF-style: chr4-139360573-A-G. GRCh37 (hg19) VCF-style: chr4-140281727-A-G.
Other names: c.1484A>G, p.Tyr495Cys (NM_001410842.1); short protein forms Y495C.
Identifiers: ClinVar variation 3608976 (VCV003608976.2).

ClinVar aggregate classification (germline): Uncertain significance (1 of 4 stars; one submission).

gnomAD v4.1: 51 of 1,610,334 alleles (0.0032%); highest among the groups gnomAD compares: Non-Finnish European, 0.0042%; no homozygotes.

Submission:

Labcorp Genetics (formerly Invitae), Labcorp
Classification: Uncertain significance. Last evaluated: 2024-11-25. Review status: criteria provided, single submitter. Criteria: Invitae Variant Classification Sherloc (09022015). Collection method: clinical testing. Allele origin: germline.
Comment: This sequence change replaces tyrosine, which is neutral and polar, with cysteine, which is neutral and slightly polar, at codon 495 of the NAA15 protein (p.Tyr495Cys). This variant is not present in population databases (gnomAD no frequency). This variant has not been reported in the literature in individuals affected with NAA15-related conditions. An algorithm developed to predict the effect of missense changes on protein structure and function (PolyPhen-2) suggests that this variant is likely to be disruptive. In summary, the available evidence is currently insufficient to determine the role of this variant in disease. Therefore, it has been classified as a Variant of Uncertain Significance.